The following is an entry in ClinVar:

ClinVar aggregate classification (germline): Benign. Review status: criteria provided, multiple submitters, no conflicts (2 of 4 stars). 3 submissions from 3 submitters: Benign (3). Last evaluated 2021-05-14.

Conditions:
Amelocerebrohypohidrotic syndrome (KTZS). Also called: EPILEPSY AND YELLOW TEETH; EPILEPSY, DEMENTIA, AND AMELOGENESIS IMPERFECTA; KOHLSCHUTTER SYNDROME; Kohlschutter's syndrome. Identifiers: Orphanet 1946, MedGen C0406740, MONDO:0009185, OMIM 226750.

Allele frequency attached by ClinVar (database versions not stated): 1000 Genomes Project 0.39796; gnomAD 0.40047 and 0.40613; 1000 Genomes Project 30x 0.40069; TOPMed 0.40505; gnomAD exomes 0.43380.
gnomAD v4.1: 306,516 of 716,446 alleles (43%); highest among the groups gnomAD compares: Admixed American, 52%; 67,161 homozygotes.

Submissions (5):

GeneDx
Classification: Benign. Last evaluated: 2021-05-14. Review status: criteria provided, single submitter. Criteria: GeneDx Variant Classification Process June 2021. Collection method: clinical testing. Allele origin: germline. Affected: yes.

Illumina Laboratory Services, Illumina
Classification: Benign for Kohlschutter syndrome. Last evaluated: 2017-04-27. Review status: criteria provided, single submitter. Criteria: ICSL Variant Classification Criteria 13 December 2019. Collection method: clinical testing. Allele origin: germline.
Comment: This variant was observed as part of a predisposition screen in an ostensibly healthy population. A literature search was performed for the gene, cDNA change, and amino acid change (where applicable). No publications were found based on this search. Allele frequency data from public databases was too high to be consistent with this variant causing disease. Therefore, this variant is classified as benign.

Breakthrough Genomics
Classification: Benign. Review status: criteria provided, single submitter. Criteria: ACMG Guidelines, 2015. Collection method: not provided. Allele origin: germline. Inheritance: Autosomal recessive inheritance. Affected: yes.

Dr. Peter K. Rogan Lab, Western University
No classification provided (evidence only). Condition: Melanoma. Review status: no classification provided. Collection method: in vitro. Allele origin: not applicable. Functional consequence: retained intron. Not counted in ClinVar's aggregate classification.

Dr. Peter K. Rogan Lab, Western University
No classification provided (evidence only). Condition: Malignant lymphoma, large B-cell, diffuse. Review status: no classification provided. Collection method: in vitro. Allele origin: not applicable. Functional consequence: retained intron. Not counted in ClinVar's aggregate classification.

NM_024589.3(ROGDI):c.*144G>A

Gene: ROGDI (rogdi atypical leucine zipper; minus strand). Cytogenetic location: 16p13.3.
Variant type: single nucleotide variant.
Coding change: c.*144G>A on transcript NM_024589.3 (MANE Select); 144 bases downstream of the stop codon, G replaced by A.
Molecular consequence: 3 prime UTR variant. On other transcripts: non-coding transcript variant (1).
Genome position (GRCh38, 1-based): chr16:4,797,316, C>T on the plus strand (G>A on the coding strand, the complement: ROGDI is on the minus strand). VCF-style: chr16-4797316-C-T. GRCh37 (hg19) VCF-style: chr16-4847317-C-T.
Other names: NC_000016.9:g.4847317C>T.
Identifiers: ClinVar variation 319396 (VCV000319396.9), dbSNP rs7546, ClinGen allele CA10637834.